The following is an entry in ClinVar:

NM_004606.5(TAF1):c.1436G>A (p.Gly479Glu)

Gene: TAF1 (TATA-box binding protein associated factor 1; plus strand). Cytogenetic location: Xq13.1.
Variant type: single nucleotide variant.
Coding change: c.1436G>A on transcript NM_004606.5 (MANE Select); coding-DNA position 1436, G replaced by A.
Protein change: p.Gly479Glu; replaces glycine 479 with glutamic acid.
Molecular consequence: missense variant. On other transcripts: non-coding transcript variant (9).
Genome position (GRCh38, 1-based): chrX:71,381,818, G>A. VCF-style: chrX-71381818-G-A. GRCh37 (hg19) VCF-style: chrX-70601668-G-A.
Other names: c.1436G>A, p.Gly479Glu (NM_001286074.2); c.1373G>A, p.Gly458Glu (NM_138923.4); short protein forms G458E, G479E.
Identifiers: ClinVar variation 2585493 (VCV002585493.1), dbSNP rs2033907717, ClinGen allele CA413512763.

ClinVar aggregate classification (germline): Uncertain significance (1 of 4 stars; one submission).

Conditions:
Intellectual developmental disorder, X-linked, syndromic 33. Also called: Intellectual disability, X-linked, syndromic 33; X-linked intellectual disability-global development delay-facial dysmorphism-sacral caudal remnant syndrome. Identifiers: Orphanet 480907, MedGen C4225418, MONDO:0010500, OMIM 300966.

Submission:

Neuberg Centre For Genomic Medicine, NCGM
Classification: Uncertain significance for Intellectual developmental disorder, X-linked, syndromic 33. Review status: criteria provided, single submitter. Criteria: ACMG Guidelines, 2015. Collection method: clinical testing. Allele origin: germline. Inheritance: X-linked inheritance. Affected: yes.
Comment: The missense variant in c.1496G>A (p.Gly499Glu) in TAF1 gene has not been reported previously as a pathogenic variant nor as a benign variant, to our knowledge. The p.Gly499Glu variant is novel (not in any individuals) in gnomAD Exomes and 1000 Genomes. The amino acid Gly at position 499 is changed to a Glu changing protein sequence and it might alter its composition and physico-chemical properties. In silico tools predict the variant to be tolerated. The residue is conserved across species. The amino acid change p.Gly499Glu in TAF1 is predicted as conserved by GERP++ and PhyloP across 100 vertebrates. For these reasons, this variant has been classified as Uncertain Significance.